The following is an entry in ClinVar:

ClinVar aggregate classification (germline): Uncertain significance (1 of 4 stars; one submission).

Submission:

Labcorp Genetics (formerly Invitae), Labcorp
Classification: Uncertain significance. Last evaluated: 2023-06-13. Review status: criteria provided, single submitter. Criteria: Invitae Variant Classification Sherloc (09022015). Collection method: clinical testing. Allele origin: germline.
Comment: This sequence change falls in intron 32 of the ABCA4 gene. It does not directly change the encoded amino acid sequence of the ABCA4 protein. This variant is not present in population databases (gnomAD no frequency). This variant has not been reported in the literature in individuals affected with ABCA4-related conditions. In summary, the available evidence is currently insufficient to determine the role of this variant in disease. Therefore, it has been classified as a Variant of Uncertain Significance. Algorithms developed to predict the effect of sequence changes on RNA splicing suggest that this variant may disrupt the consensus splice site. ClinVar contains an entry for this variant (Variation ID: 1361824).

NM_000350.3(ABCA4):c.4668-11_4668-4del

Gene: ABCA4 (ATP binding cassette subfamily A member 4; minus strand). Cytogenetic location: 1p22.1.
Variant type: Deletion.
Coding change: c.4668-11_4668-4del on transcript NM_000350.3 (MANE Select); 11 bases into the intron before coding-DNA position 4668 through 4 bases into the intron before coding-DNA position 4668, 8 bases deleted (TTCCTTGT; older notation c.4668-11_4668-4delTTCCTTGT).
Molecular consequence: intron variant.
Genome position (GRCh38, 1-based): chr1:94,021,955-94,021,962, ACAAGGAA deleted on the plus strand (TTCCTTGT on the coding strand, the reverse complement: ABCA4 is on the minus strand); deleting any 8 consecutive bases within chr1:94,021,955-94,021,965 gives the same sequence; the c. name uses the placement nearest the transcript's 3' end. VCF-style (leftmost placement, unchanged base first): chr1-94021954-GACAAGGAA-G. GRCh37 (hg19) VCF-style: chr1-94487510-GACAAGGAA-G.
Identifiers: ClinVar variation 1361824 (VCV001361824.8), dbSNP rs2101024257, ClinGen allele CA2573132694.
Genomic context (GRCh38, chr1:94,021,954, plus strand): 5'-TGCTTCCCCCGTGATGGGGACGACTGGGAGCTTTCCTCCAATGGAAATTCCTCCATACCT[GACAAGGAA>G]ACAGGAAATCCTCAGACCAGGGCCACGAACTTCACGCCTACTAGTAGCTCTCTCGGGTTT-3'